The following is an entry in ClinVar:

NM_015570.4(AUTS2):c.2241G>A (p.Pro747=)

Gene: AUTS2 (activator of transcription and developmental regulator AUTS2; plus strand). Cytogenetic location: 7q11.22.
Variant type: single nucleotide variant.
Coding change: c.2241G>A on transcript NM_015570.4 (MANE Select); coding-DNA position 2241, G replaced by A.
Protein change: p.Pro747=; no amino-acid change (proline 747 retained).
Molecular consequence: synonymous variant.
Genome position (GRCh38, 1-based): chr7:70,785,971, G>A. VCF-style: chr7-70785971-G-A. GRCh37 (hg19) VCF-style: chr7-70250957-G-A.
Other names: c.2169G>A, p.Pro723= (NM_001127231.3).
Identifiers: ClinVar variation 705669 (VCV000705669.33), dbSNP rs143340591, ClinGen allele CA4280998.

ClinVar aggregate classification (germline): Benign/Likely benign. Review status: criteria provided, multiple submitters, no conflicts (2 of 4 stars). 4 submissions from 4 submitters: Benign (2); Likely benign (1). 1 of the submissions does not count toward it. Last evaluated 2025-07-21.

Conditions:
AUTS2-related disorder. Also called: AUTS2-related condition.

Allele frequency attached by ClinVar (database versions not stated): ESP Exome Variant Server 0.00015; gnomAD 0.00026 and 0.00030; gnomAD exomes 0.00032; ExAC 0.00035; 1000 Genomes Project 0.00040; TOPMed 0.00042; 1000 Genomes Project 30x 0.00062.
gnomAD v4.1: 344 of 1,613,974 alleles (0.021%); highest among the groups gnomAD compares: East Asian, 0.18%; 1 homozygote.

Submissions (4):

Labcorp Genetics (formerly Invitae), Labcorp
Classification: Benign. Last evaluated: 2025-07-21. Review status: criteria provided, single submitter. Criteria: Invitae Variant Classification Sherloc (09022015). Collection method: clinical testing. Allele origin: germline.

CeGaT Center for Human Genetics Tuebingen
Classification: Likely benign. Last evaluated: 2023-08-01. Review status: criteria provided, single submitter. Criteria: CeGaT Center For Human Genetics Tuebingen Variant Classification Criteria Version 2. Collection method: clinical testing. Allele origin: germline. Affected: yes. Observed: 1 variant allele.
Comment: AUTS2: BP4, BP7, BS1

GeneDx
Classification: Benign. Last evaluated: 2019-10-18. Review status: criteria provided, single submitter. Criteria: GeneDx Variant Classification Process June 2021. Collection method: clinical testing. Allele origin: germline. Affected: yes.

PreventionGenetics, part of Exact Sciences
Classification: Likely benign for AUTS2-related condition. Last evaluated: 2024-04-15. Review status: no assertion criteria provided. Collection method: clinical testing. Allele origin: germline. Not counted in ClinVar's aggregate classification.
Comment: This variant is classified as likely benign based on ACMG/AMP sequence variant interpretation guidelines (Richards et al. 2015 PMID: 25741868, with internal and published modifications).